The following is an entry in ClinVar:

NM_020232.5(PSMG2):c.746G>A (p.Ser249Asn)

Gene: PSMG2 (proteasome assembly chaperone 2; plus strand). Cytogenetic location: 18p11.21.
Variant type: single nucleotide variant.
Coding change: c.746G>A on transcript NM_020232.5 (MANE Select); coding-DNA position 746, G replaced by A.
Protein change: p.Ser249Asn; replaces serine 249 with asparagine.
Molecular consequence: missense variant.
Genome position (GRCh38, 1-based): chr18:12,725,482, G>A. VCF-style: chr18-12725482-G-A. GRCh37 (hg19) VCF-style: chr18-12725481-G-A.
Other names: c.653G>A, p.Ser218Asn (NM_147163.2); short protein forms S249N, S218N.
Identifiers: ClinVar variation 2786388 (VCV002786388.4), dbSNP rs972230771, ClinGen allele CA296727462.
Genomic context (GRCh38, chr18:12,725,482, plus strand): 5'-TTGTTCTTCAATTACAGAGCGATGACCCCACAGTATCTGCCTCACGGTGGAAAATACCAA[G>A]TTCTTGGAGATTACTCTTTGGCAGTGGTCTTCCCCCTGCACTTTTCTGATCTAATTTCTG-3'
Protein context (NP_064617.2, residues 239-259): TVSASRWKIP[Ser249Asn]SWRLLFGSGL

ClinVar aggregate classification (germline): Uncertain significance. Review status: criteria provided, multiple submitters, no conflicts (2 of 4 stars). 2 submissions from 2 submitters: Uncertain significance (2). Last evaluated 2026-01-23.

Allele frequency attached by ClinVar (database versions not stated): TOPMed 0.00001; gnomAD exomes below 0.00001.
gnomAD v4.1: 3 of 1,607,252 alleles (0.00019%); highest among the groups gnomAD compares: African/African-American, 0.0027%; no homozygotes.

Submissions (2):

Women's Health and Genetics/Laboratory Corporation of America, LabCorp
Classification: Uncertain significance. Last evaluated: 2026-01-23. Review status: criteria provided, single submitter. Criteria: LabCorp Variant Classification Summary - May 2015. Collection method: clinical testing. Allele origin: germline.

Labcorp Genetics (formerly Invitae), Labcorp
Classification: Uncertain significance. Last evaluated: 2025-10-18. Review status: criteria provided, single submitter. Criteria: Invitae Variant Classification Sherloc (09022015). Collection method: clinical testing. Allele origin: germline.
Comment: This sequence change replaces serine, which is neutral and polar, with asparagine, which is neutral and polar, at codon 249 of the PSMG2 protein (p.Ser249Asn). This variant is present in population databases (no rsID available, gnomAD 0.007%). This variant has not been reported in the literature in individuals affected with PSMG2-related conditions. ClinVar contains an entry for this variant (Variation ID: 2786388). An algorithm developed to predict the effect of missense changes on protein structure and function (PolyPhen-2) suggests that this variant is likely to be tolerated. In summary, the available evidence is currently insufficient to determine the role of this variant in disease. Therefore, it has been classified as a Variant of Uncertain Significance.